The following is an entry in ClinVar:

ClinVar aggregate classification (germline): Uncertain significance. Review status: criteria provided, multiple submitters, no conflicts (2 of 4 stars). 2 submissions from 2 submitters: Uncertain significance (2). Last evaluated 2024-09-10.

Allele frequency attached by ClinVar (database versions not stated): gnomAD 0.00001; gnomAD exomes 0.00002; TOPMed 0.00003; ExAC 0.00004.
gnomAD v4.1: 28 of 1,612,436 alleles (0.0017%); highest among the groups gnomAD compares: Middle Eastern, 0.049%; 1 homozygote.

Submissions (2):

Ambry Genetics
Classification: Uncertain significance. Last evaluated: 2024-09-10. Review status: criteria provided, single submitter. Criteria: Ambry Variant Classification Scheme 2023. Collection method: clinical testing. Allele origin: germline.

Labcorp Genetics (formerly Invitae), Labcorp
Classification: Uncertain significance. Last evaluated: 2023-05-22. Review status: criteria provided, single submitter. Criteria: Invitae Variant Classification Sherloc (09022015). Collection method: clinical testing. Allele origin: germline.
Comment: This variant has not been reported in the literature in individuals affected with CHRM3-related conditions. This sequence change replaces leucine, which is neutral and non-polar, with methionine, which is neutral and non-polar, at codon 401 of the CHRM3 protein (p.Leu401Met). This variant is present in population databases (rs201160361, gnomAD 0.01%). ClinVar contains an entry for this variant (Variation ID: 2171324). Algorithms developed to predict the effect of missense changes on protein structure and function output the following: SIFT: "Not Available"; PolyPhen-2: "Benign"; Align-GVGD: "Not Available". The methionine amino acid residue is found in multiple mammalian species, which suggests that this missense change does not adversely affect protein function. In summary, the available evidence is currently insufficient to determine the role of this variant in disease. Therefore, it has been classified as a Variant of Uncertain Significance.

NM_001375978.1(CHRM3):c.1201T>A (p.Leu401Met)

Gene: CHRM3 (cholinergic receptor muscarinic 3; plus strand). Cytogenetic location: 1q43.
Variant type: single nucleotide variant.
Coding change: c.1201T>A on transcript NM_001375978.1 (MANE Select); coding-DNA position 1201, T replaced by A.
Protein change: p.Leu401Met; replaces leucine 401 with methionine.
Molecular consequence: missense variant.
Genome position (GRCh38, 1-based): chr1:239,908,652, T>A. VCF-style: chr1-239908652-T-A. GRCh37 (hg19) VCF-style: chr1-240071952-T-A.
Other names: c.1201T>A, p.Leu401Met (NM_001375983.1, NM_001375984.1, NM_001375985.1 and 6 more transcripts); c.1201T>A (NM_000740.2); short protein forms L401M.
Identifiers: ClinVar variation 2171324 (VCV002171324.5), dbSNP rs201160361, ClinGen allele CA1475893.
Genomic context (GRCh38, chr1:239,908,652, plus strand): 5'-ACCAAGTTACCCTCATCGGACAACCTGCAGGTGCCTGAGGAGGAGCTGGGGATGGTGGAC[T>A]TGGAGAGGAAAGCCGACAAGCTGCAGGCCCAGAAGAGCGTGGACGATGGAGGCAGTTTTC-3'
Protein context (NP_001362907.1, residues 391-411): VPEEELGMVD[Leu401Met]ERKADKLQAQ